The following is an entry in ClinVar:

NC_012920.1(MT-ND2):m.4734A>G

Gene: MT-ND2 (mitochondrially encoded NADH dehydrogenase 2; plus strand).
Variant type: single nucleotide variant.
Genome position: chrM-4734-A-G.
Identifiers: ClinVar variation 692492 (VCV000692492.1), dbSNP rs1603219588, ClinGen allele CA414775548.
Genomic context (GRCh38, chrMT:4,734, plus strand): 5'-ATCCTTCTAATAGCTATCCTCTTCAACAATATACTCTCCGGACAATGAACCATAACCAAT[A>G]CTACCAATCAATACTCATCATTAATAATCATAATAGCTATAGCAATAAAACTAGGAATAG-3'

ClinVar aggregate classification (germline): Benign (1 of 4 stars; one submission).

Conditions:
Leigh syndrome (NULS). Also called: Leigh's necrotizing encephalopathy; Leigh's disease; Leigh Syndrome (mtDNA deletion); Leigh Disease; Subacute necrotizing encephalopathy; Necrotizing encephalopathy infantile subacute of Leigh. Identifiers: Orphanet 506, MedGen C2931891, MONDO:0009723, OMIM 256000.

Submission:

Wong Mito Lab, Molecular and Human Genetics, Baylor College of Medicine
Classification: Benign for Leigh syndrome. Last evaluated: 2019-10-17. Review status: criteria provided, single submitter. Criteria: Modified ACMG Guidelines (Unpublished). Collection method: clinical testing. Allele origin: germline.
Comment: The NC_012920.1:m.4734A>G (YP_003024027.1:p.Thr89Ala) variant in MTND2 gene is interpretated to be a Benign variant based on the modified ACMG guidelines (unpublished). This variant meets the following evidence codes: BS1, BS2